The following is an entry in ClinVar:

NM_025114.4(CEP290):c.5587-9A>C

Gene: CEP290 (centrosomal protein 290; minus strand). Cytogenetic location: 12q21.32.
Variant type: single nucleotide variant.
Coding change: c.5587-9A>C on transcript NM_025114.4 (MANE Select); 9 bases into the intron before coding-DNA position 5587, A replaced by C.
Molecular consequence: intron variant.
Genome position (GRCh38, 1-based): chr12:88,077,353, T>G on the plus strand (A>C on the coding strand, the complement: CEP290 is on the minus strand). VCF-style: chr12-88077353-T-G. GRCh37 (hg19) VCF-style: chr12-88471130-T-G.
Other names: c.5587-9A>C (NM_025114.3).
Identifiers: ClinVar variation 1617316 (VCV001617316.9), dbSNP rs2035856064, ClinGen allele CA2052913830.

ClinVar aggregate classification (germline): Likely benign. Review status: criteria provided, single submitter (1 of 4 stars). 2 submissions from 2 submitters: Likely benign (1). 1 of the submissions does not count toward it. Last evaluated 2021-07-28.

Conditions:
Joubert syndrome. Also called: CEREBELLOPARENCHYMAL DISORDER IV; JOUBERT-BOLTSHAUSER SYNDROME; Familial aplasia of the vermis. Identifiers: Orphanet 475, MedGen C5979921, MONDO:0018772.
Nephronophthisis. Also called: Juvenile Nephronophthisis. Identifiers: Orphanet 655, MedGen C0687120, MONDO:0019005, HP:0000090.
Meckel-Gruber syndrome. Also called: DYSENCEPHALIA SPLANCHNOCYSTICA; GRUBER SYNDROME; Dysencephalia splachnocystica. Identifiers: Orphanet 564, MedGen C0265215, MONDO:0018921.
CEP290-related disorder. Also called: CEP290-related condition; CEP290-related disorders. Identifiers: MedGen CN239314.

Allele frequency attached by ClinVar (database versions not stated): TOPMed below 0.00001.

Submissions (2):

Labcorp Genetics (formerly Invitae), Labcorp
Classification: Likely benign for Joubert syndrome; Meckel-Gruber syndrome; Nephronophthisis. Last evaluated: 2021-07-28. Review status: criteria provided, single submitter. Criteria: Invitae Variant Classification Sherloc (09022015). Collection method: clinical testing. Allele origin: germline.

PreventionGenetics, part of Exact Sciences
Classification: Likely benign for CEP290-related condition. Last evaluated: 2019-07-22. Review status: no assertion criteria provided. Collection method: clinical testing. Allele origin: germline. Not counted in ClinVar's aggregate classification.
Comment: This variant is classified as likely benign based on ACMG/AMP sequence variant interpretation guidelines (Richards et al. 2015 PMID: 25741868, with internal and published modifications).